The following is an entry in ClinVar:

ClinVar aggregate classification (germline): Uncertain significance (1 of 4 stars; one submission).

Submission:

Labcorp Genetics (formerly Invitae), Labcorp
Classification: Uncertain significance. Last evaluated: 2022-03-16. Review status: criteria provided, single submitter. Criteria: Invitae Variant Classification Sherloc (09022015). Collection method: clinical testing. Allele origin: germline.
Comment: Advanced modeling of protein sequence and biophysical properties (such as structural, functional, and spatial information, amino acid conservation, physicochemical variation, residue mobility, and thermodynamic stability) performed at Invitae indicates that this missense variant is not expected to disrupt COL11A1 protein function. In summary, the available evidence is currently insufficient to determine the role of this variant in disease. Therefore, it has been classified as a Variant of Uncertain Significance. This variant has not been reported in the literature in individuals affected with COL11A1-related conditions. This variant is not present in population databases (gnomAD no frequency). This sequence change replaces alanine, which is neutral and non-polar, with serine, which is neutral and polar, at codon 321 of the COL11A1 protein (p.Ala321Ser).

NM_001854.4(COL11A1):c.961G>T (p.Ala321Ser)

Gene: COL11A1 (collagen type XI alpha 1 chain; minus strand). Cytogenetic location: 1p21.1.
Variant type: single nucleotide variant.
Coding change: c.961G>T on transcript NM_001854.4 (MANE Select); coding-DNA position 961, G replaced by T.
Protein change: p.Ala321Ser; replaces alanine 321 with serine.
Molecular consequence: missense variant. On other transcripts: non-coding transcript variant (1), intron variant (1).
Genome position (GRCh38, 1-based): chr1:103,025,550, C>A on the plus strand (G>T on the coding strand, the complement: COL11A1 is on the minus strand). VCF-style: chr1-103025550-C-A. GRCh37 (hg19) VCF-style: chr1-103491106-C-A.
Other names: c.844G>T, p.Ala282Ser (NM_001190709.2); c.997G>T, p.Ala333Ser (NM_080629.3); c.897+666G>T (NM_080630.4); short protein forms A282S, A321S, A333S.
Identifiers: ClinVar variation 2083415 (VCV002083415.4), dbSNP rs2525608003, ClinGen allele CA341155514.